The following is an entry in ClinVar:

NM_021076.4(NEFH):c.586G>C (p.Glu196Gln)

Gene: NEFH (neurofilament heavy chain; plus strand). Cytogenetic location: 22q12.2.
Variant type: single nucleotide variant.
Coding change: c.586G>C on transcript NM_021076.4 (MANE Select); coding-DNA position 586, G replaced by C.
Protein change: p.Glu196Gln; replaces glutamic acid 196 with glutamine.
Molecular consequence: missense variant.
Genome position (GRCh38, 1-based): chr22:29,480,848, G>C. VCF-style: chr22-29480848-G-C. GRCh37 (hg19) VCF-style: chr22-29876837-G-C.
Other names: short protein forms E196Q.
Identifiers: ClinVar variation 2738538 (VCV002738538.3), dbSNP rs2146391481, ClinGen allele CA411123278.
Genomic context (GRCh38, chr22:29,480,848, plus strand): 5'-GAGGACATCGCGCACGTGCGCCAGCGCCTAGACGACGAGGCCCGGCAGCGAGAGGAGGCC[G>C]AGGCGGCGGCCCGCGCGCTGGCGCGCTTCGCGCAGGAGGCCGAGGCGGCGCGCGTGGACC-3'
Protein context (NP_066554.2, residues 186-206): DDEARQREEA[Glu196Gln]AAARALARFA

ClinVar aggregate classification (germline): Uncertain significance (1 of 4 stars; one submission).

gnomAD v4.1: 1 of 1,394,686 alleles (0.000072%); highest among the groups gnomAD compares: Non-Finnish European, 0.000092%; no homozygotes.

Submission:

Labcorp Genetics (formerly Invitae), Labcorp
Classification: Uncertain significance. Last evaluated: 2023-07-08. Review status: criteria provided, single submitter. Criteria: Invitae Variant Classification Sherloc (09022015). Collection method: clinical testing. Allele origin: germline.
Comment: This variant has not been reported in the literature in individuals affected with NEFH-related conditions. In summary, the available evidence is currently insufficient to determine the role of this variant in disease. Therefore, it has been classified as a Variant of Uncertain Significance. Advanced modeling of protein sequence and biophysical properties (such as structural, functional, and spatial information, amino acid conservation, physicochemical variation, residue mobility, and thermodynamic stability) performed at Invitae indicates that this missense variant is not expected to disrupt NEFH protein function. This variant is not present in population databases (gnomAD no frequency). This sequence change replaces glutamic acid, which is acidic and polar, with glutamine, which is neutral and polar, at codon 196 of the NEFH protein (p.Glu196Gln).